The following is an entry in ClinVar:

ClinVar aggregate classification (germline): Uncertain significance (1 of 4 stars; one submission).

Submission:

GeneDx
Classification: Uncertain significance. Last evaluated: 2025-04-23. Review status: criteria provided, single submitter. Criteria: GeneDx Variant Classification Process June 2021. Collection method: clinical testing. Allele origin: germline. Affected: yes.
Comment: Not observed at significant frequency in large population cohorts (gnomAD); In silico analysis supports that this missense variant has a deleterious effect on protein structure/function; Has not been previously published as pathogenic or benign to our knowledge; Not located in one of the three hot-spot regions of the RYR2 gene, where the majority of pathogenic missense variants occur (PMID: 19926015); This variant is associated with the following publications: (PMID: 19926015)

NM_001035.3(RYR2):c.10370A>T (p.Asp3457Val)

Gene: RYR2 (ryanodine receptor 2; plus strand). Cytogenetic location: 1q43.
Variant type: single nucleotide variant.
Coding change: c.10370A>T on transcript NM_001035.3 (MANE Select); coding-DNA position 10370, A replaced by T.
Protein change: p.Asp3457Val; replaces aspartic acid 3457 with valine.
Molecular consequence: missense variant.
Genome position (GRCh38, 1-based): chr1:237,717,244, A>T. VCF-style: chr1-237717244-A-T. GRCh37 (hg19) VCF-style: chr1-237880544-A-T.
Other names: short protein forms D3457V.
Identifiers: ClinVar variation 4527263 (VCV004527263.1).